The following is an entry in ClinVar:

ClinVar aggregate classification (germline): Uncertain significance (1 of 4 stars; one submission).

gnomAD v4.1: 1 of 1,607,354 alleles (0.000062%); highest among the groups gnomAD compares: Non-Finnish European, 0.000085%; no homozygotes.

Submission:

Labcorp Genetics (formerly Invitae), Labcorp
Classification: Uncertain significance. Last evaluated: 2024-04-10. Review status: criteria provided, single submitter. Criteria: Invitae Variant Classification Sherloc (09022015). Collection method: clinical testing. Allele origin: germline.
Comment: This sequence change replaces threonine, which is neutral and polar, with isoleucine, which is neutral and non-polar, at codon 366 of the UTP4 protein (p.Thr366Ile). This variant is not present in population databases (gnomAD no frequency). This variant has not been reported in the literature in individuals affected with UTP4-related conditions. An algorithm developed to predict the effect of missense changes on protein structure and function (PolyPhen-2) suggests that this variant is likely to be tolerated. In summary, the available evidence is currently insufficient to determine the role of this variant in disease. Therefore, it has been classified as a Variant of Uncertain Significance.

NM_032830.3(UTP4):c.1097C>T (p.Thr366Ile)

Gene: UTP4 (UTP4 small subunit processome component). Cytogenetic location: 16q22.1.
Variant type: single nucleotide variant.
Coding change: c.1097C>T on transcript NM_032830.3 (MANE Select); coding-DNA position 1097, C replaced by T.
Protein change: p.Thr366Ile; replaces threonine 366 with isoleucine.
Molecular consequence: missense variant.
Genome position (GRCh38, 1-based): chr16:69,153,678, C>T. VCF-style: chr16-69153678-C-T. GRCh37 (hg19) VCF-style: chr16-69187581-C-T.
Other names: c.848C>T, p.Thr283Ile (NM_001318391.2); short protein forms T283I, T366I.
Identifiers: ClinVar variation 3648499 (VCV003648499.2).